The following is an entry in ClinVar:

ClinVar aggregate classification (germline): Uncertain significance (1 of 4 stars; one submission).

Submissions (2):

GeneDx
Classification: Uncertain significance. Last evaluated: 2023-12-12. Review status: criteria provided, single submitter. Criteria: GeneDx Variant Classification Process June 2021. Collection method: clinical testing. Allele origin: germline. Affected: yes.
Comment: Not observed at significant frequency in large population cohorts (gnomAD); In silico analysis supports a deleterious effect on splicing; Has not been previously published as pathogenic or benign to our knowledge

Dr. Peter K. Rogan Lab, Western University
No classification provided (evidence only). Condition: Thyroid cancer, nonmedullary, 1. Review status: no classification provided. Collection method: in vitro. Allele origin: not applicable. Functional consequence: retained intron. Not counted in ClinVar's aggregate classification.

NM_000240.4(MAOA):c.20C>T (p.Ala7Val)

Gene: MAOA (monoamine oxidase A; plus strand). Cytogenetic location: Xp11.3.
Variant type: single nucleotide variant.
Coding change: c.20C>T on transcript NM_000240.4 (MANE Select); coding-DNA position 20, C replaced by T.
Protein change: p.Ala7Val; replaces alanine 7 with valine.
Molecular consequence: missense variant. On other transcripts: 5 prime UTR variant (1).
Genome position (GRCh38, 1-based): chrX:43,656,361, C>T. VCF-style: chrX-43656361-C-T. GRCh37 (hg19) VCF-style: chrX-43515609-C-T.
Other names: NC_000023.10:g.43515609C>T; c.-488C>T (NM_001270458.2); short protein forms A7V.
Identifiers: ClinVar variation 3252761 (VCV003252761.2), dbSNP rs2519103578.
Genomic context (GRCh38, chrX:43,656,361, plus strand): 5'-CCACTCCTGTGCCTACGACCCAGGAGCGTGTCAGCCAAAGCATGGAGAATCAAGAGAAGG[C>T]GAGTATCGCGGGCCACATGTTCGACGTAGTCGTGATCGGAGGTGGCATTTCAGGTCAGTG-3'
Protein context (NP_000231.1, residues 1-17): MENQEK[Ala7Val]SIAGHMFDVV